The following is an entry in ClinVar:

ClinVar aggregate classification (germline): Likely pathogenic. Review status: criteria provided, multiple submitters, no conflicts (2 of 4 stars). 2 submissions from 2 submitters: Likely pathogenic (2). Last evaluated 2025-02-23.

Conditions:
Cardiovascular phenotype. Identifiers: MedGen CN230736.
Autosomal recessive limb-girdle muscular dystrophy type 2J (LGMDR10). Also called: MUSCULAR DYSTROPHY, LIMB-GIRDLE, AUTOSOMAL RECESSIVE 10; Limb-girdle muscular dystrophy, type 2J. Identifiers: Orphanet 140922, MedGen C1837342, MONDO:0012127, OMIM 608807.
Dilated cardiomyopathy 1G (CMD1G). Identifiers: Orphanet 154, MedGen C1858763, MONDO:0011400, OMIM 604145.

Submissions (2):

Labcorp Genetics (formerly Invitae), Labcorp
Classification: Likely pathogenic for Dilated cardiomyopathy 1G; Autosomal recessive limb-girdle muscular dystrophy type 2J. Last evaluated: 2025-02-23. Review status: criteria provided, single submitter. Criteria: Invitae Variant Classification Sherloc (09022015). Collection method: clinical testing. Allele origin: germline.
Comment: This sequence change creates a premature translational stop signal (p.Cys24444Trpfs*6) in the TTN gene. While this is not anticipated to result in nonsense mediated decay, it is expected to create a truncated TTN protein. This variant is not present in population databases (gnomAD no frequency). This variant has not been reported in the literature in individuals affected with TTN-related conditions. ClinVar contains an entry for this variant (Variation ID: 1741902). This variant is located in the A band of TTN (PMID: 25589632). Truncating variants in this region are significantly overrepresented in patients affected with dilated cardiomyopathy (PMID: 25589632). Truncating variants in this region have also been reported in individuals affected with autosomal recessive centronuclear myopathy (PMID: 23975875). In summary, the currently available evidence indicates that the variant is pathogenic, but additional data are needed to prove that conclusively. Therefore, this variant has been classified as Likely Pathogenic.

Ambry Genetics
Classification: Likely pathogenic for Cardiovascular phenotype. Last evaluated: 2021-04-05. Review status: criteria provided, single submitter. Criteria: Ambry Variant Classification Scheme 2023. Collection method: clinical testing. Allele origin: germline.
Comment: The c.46129_46136dupGCCTGCTG variant, located in coding exon 153 of the TTN gene, results from a duplication of GCCTGCTG at nucleotide position 46129, causing a translational frameshift with a predicted alternate stop codon (p.C15379Wfs*6). This exon is located in the A-band region of the N2-B isoform of the titin protein and is constitutively expressed in TTN transcripts (percent spliced in or PSI 100%). This variant was not reported in population-based cohorts in the Genome Aggregation Database (gnomAD).This alteration is expected to result in loss of function by premature protein truncation or nonsense-mediated mRNA decay. While truncating variants in TTN are present in 1-3% of the general population, truncating variants in the A-band are the most common cause of dilated cardiomyopathy (DCM) (Herman DS et al. N. Engl. J. Med., 2012 Feb;366:619-28; Roberts AM et al. Sci Transl Med, 2015 Jan;7:270ra6). TTN truncating variants encoded in constitutive exons (PSI >90%) have been found to be significantly associated with DCM regardless of their position in titin (Schafer S et al. Nat. Genet., 2017 01;49:46-53). As such, this alteration is classified as likely pathogenic.

Literature cited by the submitters: PubMed 25589632 (cited by Labcorp Genetics (formerly Invitae), Labcorp); PubMed 23975875 (cited by Labcorp Genetics (formerly Invitae), Labcorp).

NM_001267550.2(TTN):c.73324_73331dup (p.Cys24444fs)

Genes: TTN (titin; minus strand), TTN-AS1 (TTN antisense RNA 1; plus strand). Cytogenetic location: 2q31.2.
Variant type: Duplication.
Coding change: c.73324_73331dup on transcript NM_001267550.2 (MANE Select); coding-DNA positions 73324 to 73331, 8 bases duplicated (GCCTGCTG; older notation c.73324_73331dupGCCTGCTG).
Protein change: p.Cys24444fs; shifts the reading frame from cysteine 24444.
Molecular consequence: frameshift variant.
Genome position (GRCh38, 1-based): chr2:178,572,801-178,572,808, CAGCAGGC duplicated on the plus strand (GCCTGCTG on the coding strand, the reverse complement: TTN is on the minus strand); duplicating any 8 consecutive bases within chr2:178,572,801-178,572,809 gives the same sequence; the c. name uses the placement nearest the transcript's 3' end. VCF-style (leftmost placement, unchanged base first): chr2-178572800-G-GCAGCAGGC. GRCh37 (hg19) VCF-style: chr2-179437527-G-GCAGCAGGC.
Other names: c.68401_68408dup, p.Cys22803fs (NM_001256850.1); c.46129_46136dup, p.Cys15379fs (NM_003319.4); c.65620_65627dup, p.Cys21876fs (NM_133378.4); c.46504_46511dup, p.Cys15504fs (NM_133432.3); c.46705_46712dup, p.Cys15571fs (NM_133437.4); c.46129_46136dupGCCTGCTG (NM_003319.4); short protein forms C22803fs, C24444fs, C15504fs, C15571fs, C21876fs, C15379fs.
Identifiers: ClinVar variation 1741902 (VCV001741902.4), dbSNP rs2468554373, ClinGen allele CA2580064800.